The following is an entry in ClinVar:

NM_015512.5(DNAH1):c.391A>T (p.Lys131Ter)

Gene: DNAH1 (dynein axonemal heavy chain 1; plus strand). Cytogenetic location: 3p21.1.
Variant type: single nucleotide variant.
Coding change: c.391A>T on transcript NM_015512.5 (MANE Select); coding-DNA position 391, A replaced by T.
Protein change: p.Lys131Ter; replaces lysine 131 with a stop codon.
Molecular consequence: nonsense.
Genome position (GRCh38, 1-based): chr3:52,323,865, A>T. VCF-style: chr3-52323865-A-T. GRCh37 (hg19) VCF-style: chr3-52357881-A-T.
Other names: short protein forms K131*.
Identifiers: ClinVar variation 2923376 (VCV002923376.3), dbSNP rs1701241345, ClinGen allele CA353085953.
Genomic context (GRCh38, chr3:52,323,865, plus strand): 5'-CAGGAGGTATGTCGTGGCCCCCGAATGAGCCAGAACCTCCTGCGGCAGGCTGACCTTGAC[A>T]AGTTCACCCCAAGAGGTCAGTGCTCAGGAGGGCTGTGTGAGTGGGTCCCGGTAGGTATTT-3'

ClinVar aggregate classification (germline): Pathogenic (1 of 4 stars; one submission).

Conditions:
Spermatogenic failure 18. Identifiers: MedGen C4539783, MONDO:0054615, OMIM 617576.
Ciliary dyskinesia, primary, 37 (CILD37). Also called: CILIARY DYSKINESIA, PRIMARY, 37, WITH OR WITHOUT SITUS INVERSUS. Identifiers: MedGen C4539798, MONDO:0033204, OMIM 617577.

Allele frequency attached by ClinVar (database versions not stated): gnomAD exomes below 0.00001; TOPMed below 0.00001; gnomAD 0.00001.
gnomAD v4.1: 2 of 1,577,948 alleles (0.00013%); highest among the groups gnomAD compares: Non-Finnish European, 0.00017%; no homozygotes.

Submission:

Labcorp Genetics (formerly Invitae), Labcorp
Classification: Pathogenic for Ciliary dyskinesia, primary, 37; Spermatogenic failure 18. Last evaluated: 2023-01-09. Review status: criteria provided, single submitter. Criteria: Invitae Variant Classification Sherloc (09022015). Collection method: clinical testing. Allele origin: germline.
Comment: For these reasons, this variant has been classified as Pathogenic. Algorithms developed to predict the effect of sequence changes on RNA splicing suggest that this variant may disrupt the consensus splice site. This variant has not been reported in the literature in individuals affected with DNAH1-related conditions. This variant is not present in population databases (gnomAD no frequency). This sequence change creates a premature translational stop signal (p.Lys131*) in the DNAH1 gene. It is expected to result in an absent or disrupted protein product. Loss-of-function variants in DNAH1 are known to be pathogenic (PMID: 27573432, 27798045).

Literature cited by the submitters: PubMed 27573432; PubMed 27798045.